The following is an entry in ClinVar:

NM_000059.4(BRCA2):c.4478A>T (p.Glu1493Val)

Gene: BRCA2 (BRCA2 DNA repair associated; plus strand). Cytogenetic location: 13q13.1.
Variant type: single nucleotide variant.
Coding change: c.4478A>T on transcript NM_000059.4 (MANE Select); coding-DNA position 4478, A replaced by T.
Protein change: p.Glu1493Val; replaces glutamic acid 1493 with valine.
Molecular consequence: missense variant. On other transcripts: non-coding transcript variant (1), intron variant (2).
Genome position (GRCh38, 1-based): chr13:32,338,833, A>T. VCF-style: chr13-32338833-A-T. GRCh37 (hg19) VCF-style: chr13-32912970-A-T.
Other names: c.4478A>T, p.Glu1493Val (NM_001406719.1, NM_001406720.1, NM_001432077.1); c.1909+5446A>T (NM_001406721.1); c.425-5725A>T (NM_001406722.1); short protein forms E1493V.
Identifiers: ClinVar variation 3390846 (VCV003390846.2).

ClinVar aggregate classification (germline): Uncertain significance (1 of 4 stars; one submission).

Conditions:
Hereditary breast ovarian cancer syndrome. Also called: BRCA1- and BRCA2-Associated Hereditary Breast and Ovarian Cancer; Hereditary breast and ovarian cancer; Breast and ovarian cancer; Hereditary breast and ovarian cancer syndrome; Hereditary breast and ovarian cancer syndrome (HBOC); Hereditary breast and/or ovarian cancer syndrome. Identifiers: Orphanet 145, MedGen C0677776, MeSH D061325, MONDO:0003582. Disease mechanism: loss of function.

Submission:

Breast Care Center, Daerim St. Mary`s Hospital
Classification: Uncertain significance for Hereditary breast and ovarian cancer syndrome. Last evaluated: 2024-12-12. Review status: criteria provided, single submitter. Criteria: ACMG Guidelines, 2015. Collection method: clinical testing. Allele origin: germline. Inheritance: Autosomal dominant inheritance. Affected: yes. Observed: 1 heterozygote.
Comment: The BRCA2:c.4478A>T p.(Glu1493Val) variant is not found in the gnomAD genomes and has an allele frequency of 0.001098% in the gnomAD exomes database. The results from multiple computational prediction tools are inconsistent regarding the effect on this variant of the gene. This variant is located in exon 11 of BRCA2, the ‘cold spot’ region (PMID: 31911673). Based on the available evidence, this variant is classified as variant of uncertain significance.